The following is an entry in ClinVar:

NM_138694.4(PKHD1):c.10997T>C (p.Ile3666Thr)

Gene: PKHD1 (PKHD1 ciliary IPT domain containing fibrocystin/polyductin; minus strand). Cytogenetic location: 6p12.3.
Variant type: single nucleotide variant.
Coding change: c.10997T>C on transcript NM_138694.4 (MANE Select); coding-DNA position 10997, T replaced by C.
Protein change: p.Ile3666Thr; replaces isoleucine 3666 with threonine.
Molecular consequence: missense variant.
Genome position (GRCh38, 1-based): chr6:51,659,129, A>G on the plus strand (T>C on the coding strand, the complement: PKHD1 is on the minus strand). VCF-style: chr6-51659129-A-G. GRCh37 (hg19) VCF-style: chr6-51523927-A-G.
Other names: short protein forms I3666T.
Identifiers: ClinVar variation 3367080 (VCV003367080.1).
Genomic context (GRCh38, chr6:51,659,129, plus strand): 5'-AATTTGTTACTTGATAAGGATGAAATCATTCCAGTGCTCCTTACTGTTGGCGAATCACCA[A>G]TTTCAATGACAATCACTTTTGAGATAGTTTCCACAGTCATTGGGGGTGAAGCCCTATGTG-3'
Protein context (NP_619639.3, residues 3656-3676): ETISKVIVIE[Ile3666Thr]GDSPTVRSTG

ClinVar aggregate classification (germline): Uncertain significance (1 of 4 stars; one submission).

Conditions:
Polycystic kidney disease 4 (PKD4). Also called: POLYCYSTIC KIDNEY AND HEPATIC DISEASE 1; POLYCYSTIC KIDNEY DISEASE, INFANTILE, TYPE I; Autosomal Recessive Polycystic Kidney Disease – PKHD1; POLYCYSTIC KIDNEY DISEASE 4 WITH OR WITHOUT POLYCYSTIC LIVER DISEASE; PKD3. Identifiers: MedGen C4540575, MONDO:0033004, OMIM 263200.

gnomAD v4.1: 7 of 1,613,828 alleles (0.00043%); highest among the groups gnomAD compares: South Asian, 0.0066%; no homozygotes.

Submission:

Neuberg Centre For Genomic Medicine, NCGM
Classification: Uncertain significance for Polycystic kidney disease 4. Last evaluated: 2023-05-20. Review status: criteria provided, single submitter. Criteria: ACMG Guidelines, 2015. Collection method: clinical testing. Allele origin: germline. Inheritance: Autosomal recessive inheritance. Affected: yes.
Comment: The missense variant c.10997T>C (p.Ile3666Thr) in the PKHD1 gene has not been reported previously as a pathogenic variant nor as a benign variant, to our knowledge. This variant is reported with the allele frequency (0.001%) in the gnomAD Exomes. The amino acid Isoleucine at position 3666 is changed to a Threonine changing protein sequence and it might alter its composition and physico-chemical properties. Computational evidence (Polyphen, SIFT and MutationTaster) predicts conflicting evidence on protein structure and function for this variant. The amino acid change p.Ile3666Thr in PKHD1 is predicted as conserved by GERP++ and PhyloP across 100 vertebrates. For these reasons, this variant has been classified as Uncertain Significance.